The following is an entry in ClinVar:

ClinVar aggregate classification (germline): Uncertain significance. Review status: criteria provided, multiple submitters, no conflicts (2 of 4 stars). 2 submissions from 2 submitters: Uncertain significance (2). Last evaluated 2026-03-12.

Conditions:
Arrhythmogenic right ventricular dysplasia 11. Also called: Arrhythmogenic Right Ventricular Dysplasia/Cardiomyopathy11; Arrhythmogenic right ventricular dysplasia 11 with mild palmoplantar keratoderma and woolly hair; ARRHYTHMOGENIC RIGHT VENTRICULAR DYSPLASIA, FAMILIAL, 11. Identifiers: MedGen C1864850, MONDO:0012506, OMIM 610476.

Allele frequency attached by ClinVar (database versions not stated): gnomAD exomes below 0.00001.
gnomAD v4.1: 2 of 1,613,920 alleles (0.00012%); highest among the groups gnomAD compares: Non-Finnish European, 0.00017%; no homozygotes.

Submissions (2):

GeneDx
Classification: Uncertain significance. Last evaluated: 2026-03-12. Review status: criteria provided, single submitter. Criteria: GeneDx Variant Classification Process June 2021. Collection method: clinical testing. Allele origin: germline.
Comment: Not observed at significant frequency in large population cohorts (gnomAD); In silico analysis supports that this missense variant has a deleterious effect on protein structure/function; Has not been previously published as pathogenic or benign to our knowledge

Labcorp Genetics (formerly Invitae), Labcorp
Classification: Uncertain significance for Arrhythmogenic right ventricular dysplasia 11. Last evaluated: 2024-02-23. Review status: criteria provided, single submitter. Criteria: Invitae Variant Classification Sherloc (09022015). Collection method: clinical testing. Allele origin: germline.
Comment: This sequence change replaces tyrosine, which is neutral and polar, with aspartic acid, which is acidic and polar, at codon 393 of the DSC2 protein (p.Tyr393Asp). This variant is not present in population databases (gnomAD no frequency). This variant has not been reported in the literature in individuals affected with DSC2-related conditions. ClinVar contains an entry for this variant (Variation ID: 2001338). Advanced modeling of protein sequence and biophysical properties (such as structural, functional, and spatial information, amino acid conservation, physicochemical variation, residue mobility, and thermodynamic stability) has been performed at Invitae for this missense variant, however the output from this modeling did not meet the statistical confidence thresholds required to predict the impact of this variant on DSC2 protein function. In summary, the available evidence is currently insufficient to determine the role of this variant in disease. Therefore, it has been classified as a Variant of Uncertain Significance.

NM_024422.6(DSC2):c.1177T>G (p.Tyr393Asp)

Gene: DSC2 (desmocollin 2; minus strand). Cytogenetic location: 18q12.1.
Variant type: single nucleotide variant.
Coding change: c.1177T>G on transcript NM_024422.6 (MANE Select); coding-DNA position 1177, T replaced by G.
Protein change: p.Tyr393Asp; replaces tyrosine 393 with aspartic acid.
Molecular consequence: missense variant.
Genome position (GRCh38, 1-based): chr18:31,082,324, A>C on the plus strand (T>G on the coding strand, the complement: DSC2 is on the minus strand). VCF-style: chr18-31082324-A-C. GRCh37 (hg19) VCF-style: chr18-28662290-A-C.
Other names: c.748T>G, p.Tyr250Asp (NM_001406507.1, NM_001406506.1); c.1177T>G, p.Tyr393Asp (NM_004949.5); c.1177T>G (NM_024422.3); short protein forms Y250D, Y393D.
Identifiers: ClinVar variation 2001338 (VCV002001338.5), dbSNP rs2510948326, ClinGen allele CA402109685.
Genomic context (GRCh38, chr18:31,082,324, plus strand): 5'-TGGTTTTGGCATCTGTTACAATTTTAAAATTGCCATTTTCATTGCCCTTTAAAATGGTAT[A>C]ATTAGCTCTCCAGTTAGCAGTATTCACTAAGTCCTTATCCTCAACAGTAACTCGTAAGAT-3'
Protein context (NP_077740.1, residues 383-403): LVNTANWRAN[Tyr393Asp]TILKGNENGN